The following is an entry in ClinVar:

NM_001371395.1(USP53):c.1069dup (p.Ser357fs)

Gene: USP53 (ubiquitin specific peptidase 53; plus strand). Cytogenetic location: 4q26.
Variant type: Duplication.
Coding change: c.1069dup on transcript NM_001371395.1 (MANE Select); coding-DNA position 1069, one base duplicated (T; older notation c.1069dupT).
Protein change: p.Ser357fs; shifts the reading frame from serine 357.
Molecular consequence: frameshift variant.
Genome position (GRCh38, 1-based): chr4:119,267,416, T duplicated; the last of 3 consecutive T bases (chr4:119,267,414-119,267,416); duplicating any one gives the same sequence. VCF-style (leftmost placement, unchanged base first): chr4-119267413-G-GT. GRCh37 (hg19) VCF-style: chr4-120188568-G-GT.
Other names: c.1069dup, p.Ser357fs (NM_001371396.1, NM_001371397.1, NM_001371398.1 and 5 more transcripts); c.919dup, p.Ser307fs (NM_001389660.1); c.721dup, p.Ser241fs (NM_001389662.1, NM_001389663.1, NM_001389664.1 and 3 more transcripts); short protein forms S241fs, S307fs, S357fs.
Identifiers: ClinVar variation 3370325 (VCV003370325.1).
Genomic context (GRCh38, chr4:119,267,413, plus strand): 5'-TGCATTCGATGCCACTTTCAGCCACTACTTTTGTTTTATGCAAACCCAGATGGCACAGCA[G>GT]TTTCTACTGAGGATGCACTCAGGCAGGTCATCAGCTGGTCACATTACAAATCTGTTGCAG-3'

ClinVar aggregate classification (germline): Pathogenic (1 of 4 stars; one submission).

Conditions:
Cholestasis, progressive familial intrahepatic, 7, with or without hearing loss. Identifiers: MedGen C5562043, MONDO:0030503, OMIM 619658.

Submission:

MVZ Medizinische Genetik Mainz
Classification: Pathogenic for Cholestasis, progressive familial intrahepatic, 7, with or without hearing loss. Last evaluated: 2024-09-30. Review status: criteria provided, single submitter. Criteria: UK Practice Guidelines For Variant Classification V4 01 2020. Collection method: clinical testing. Allele origin: germline. Inheritance: Autosomal recessive inheritance. Affected: yes. Observed: 1 variant allele.
Comment: ACMG Criteria: PVS1,PM2_SUP,PM3_SUP